The following is an entry in ClinVar:

ClinVar aggregate classification (germline): Uncertain significance. Review status: criteria provided, multiple submitters, no conflicts (2 of 4 stars). 2 submissions from 2 submitters: Uncertain significance (2). Last evaluated 2024-04-05.

Conditions:
Cornelia de Lange syndrome 5 (CDLS5). Also called: HDAC8-Related Cornelia de Lange Syndrome. Identifiers: Orphanet 199, MedGen C3550903, MONDO:0010471, OMIM 300882.

Submissions (2):

GeneDx
Classification: Uncertain significance. Last evaluated: 2024-04-05. Review status: criteria provided, single submitter. Criteria: GeneDx Variant Classification Process June 2021. Collection method: clinical testing. Allele origin: germline. Affected: yes.
Comment: Not observed at significant frequency in large population cohorts (gnomAD); In silico analysis indicates that this missense variant does not alter protein structure/function; Has not been previously published as pathogenic or benign to our knowledge

Labcorp Genetics (formerly Invitae), Labcorp
Classification: Uncertain significance for Cornelia de Lange syndrome 5. Last evaluated: 2023-10-29. Review status: criteria provided, single submitter. Criteria: Invitae Variant Classification Sherloc (09022015). Collection method: clinical testing. Allele origin: germline.
Comment: This sequence change replaces valine, which is neutral and non-polar, with isoleucine, which is neutral and non-polar, at codon 15 of the HDAC8 protein (p.Val15Ile). This variant is not present in population databases (gnomAD no frequency). This variant has not been reported in the literature in individuals affected with HDAC8-related conditions. Advanced modeling of protein sequence and biophysical properties (such as structural, functional, and spatial information, amino acid conservation, physicochemical variation, residue mobility, and thermodynamic stability) performed at Invitae indicates that this missense variant is not expected to disrupt HDAC8 protein function with a negative predictive value of 95%. In summary, the available evidence is currently insufficient to determine the role of this variant in disease. Therefore, it has been classified as a Variant of Uncertain Significance.

NM_018486.3(HDAC8):c.43G>A (p.Val15Ile)

Gene: HDAC8 (histone deacetylase 8; minus strand). Cytogenetic location: Xq13.1.
Variant type: single nucleotide variant.
Coding change: c.43G>A on transcript NM_018486.3 (MANE Select); coding-DNA position 43, G replaced by A.
Protein change: p.Val15Ile; replaces valine 15 with isoleucine.
Molecular consequence: missense variant. On other transcripts: non-coding transcript variant (1).
Genome position (GRCh38, 1-based): chrX:72,572,719, C>T on the plus strand (G>A on the coding strand, the complement: HDAC8 is on the minus strand). VCF-style: chrX-72572719-C-T. GRCh37 (hg19) VCF-style: chrX-71792569-C-T.
Other names: c.43G>A, p.Val15Ile (NM_001410728.1, NM_001410729.1, NM_001410730.1 and 7 more transcripts); c.43G>A (NM_018486.2); short protein forms V15I.
Identifiers: ClinVar variation 2772575 (VCV002772575.4), dbSNP rs2522255121, ClinGen allele CA413577348.